The following is an entry in ClinVar:

NM_152703.5(SAMD9L):c.1682T>C (p.Ile561Thr)

Gene: SAMD9L (sterile alpha motif domain containing 9 like; minus strand). Cytogenetic location: 7q21.2.
Variant type: single nucleotide variant.
Coding change: c.1682T>C on transcript NM_152703.5 (MANE Select); coding-DNA position 1682, T replaced by C.
Protein change: p.Ile561Thr; replaces isoleucine 561 with threonine.
Molecular consequence: missense variant.
Genome position (GRCh38, 1-based): chr7:93,134,290, A>G on the plus strand (T>C on the coding strand, the complement: SAMD9L is on the minus strand). VCF-style: chr7-93134290-A-G. GRCh37 (hg19) VCF-style: chr7-92763603-A-G.
Other names: c.1682T>C, p.Ile561Thr (NM_001303496.3, NM_001303497.3, NM_001303498.3 and 5 more transcripts); short protein forms I561T.
Identifiers: ClinVar variation 3437204 (VCV003437204.2).
Genomic context (GRCh38, chr7:93,134,290, plus strand): 5'-GAGATACACAACATATTTTCCATTCCTTTGAGAGCTTGATAGAAAGCCCAGAAAGTTTCA[A>G]TGAGTGGATCTCCTGGGCTTTCCACTGAAGAGAGTAATAGAAACACTACCAAAAATTTTC-3'
Protein context (NP_689916.2, residues 551-571): SSVESPGDPL[Ile561Thr]ETFWAFYQAL

ClinVar aggregate classification (germline): Uncertain significance. Review status: criteria provided, multiple submitters, no conflicts (2 of 4 stars). 2 submissions from 2 submitters: Uncertain significance (2). Last evaluated 2025-07-02.

Conditions:
Inborn genetic diseases. Identifiers: MedGen C0950123, MeSH D030342.

gnomAD v4.1: 3 of 1,613,384 alleles (0.00019%); highest among the groups gnomAD compares: Admixed American, 0.0017%; no homozygotes.

Submissions (2):

Labcorp Genetics (formerly Invitae), Labcorp
Classification: Uncertain significance. Last evaluated: 2025-07-02. Review status: criteria provided, single submitter. Criteria: Invitae Variant Classification Sherloc (09022015). Collection method: clinical testing. Allele origin: germline.
Comment: This sequence change replaces isoleucine, which is neutral and non-polar, with threonine, which is neutral and polar, at codon 561 of the SAMD9L protein (p.Ile561Thr). The frequency data for this variant in the population databases is considered unreliable, as metrics indicate poor data quality at this position in the gnomAD database. This variant has not been reported in the literature in individuals affected with SAMD9L-related conditions. ClinVar contains an entry for this variant (Variation ID: 3437204). Invitae Evidence Modeling of protein sequence and biophysical properties (such as structural, functional, and spatial information, amino acid conservation, physicochemical variation, residue mobility, and thermodynamic stability) indicates that this missense variant is not expected to disrupt SAMD9L protein function with a negative predictive value of 80%. In summary, the available evidence is currently insufficient to determine the role of this variant in disease. Therefore, it has been classified as a Variant of Uncertain Significance.

Ambry Genetics
Classification: Uncertain significance for Inborn genetic diseases. Last evaluated: 2024-11-30. Review status: criteria provided, single submitter. Criteria: Ambry Variant Classification Scheme 2023. Collection method: clinical testing. Allele origin: germline.
Comment: The p.I561T variant (also known as c.1682T>C), located in coding exon 1 of the SAMD9L gene, results from a T to C substitution at nucleotide position 1682. The isoleucine at codon 561 is replaced by threonine, an amino acid with similar properties. This amino acid position is conserved. In addition, this alteration is predicted to be tolerated by in silico analysis. Based on the available evidence, the clinical significance of this variant remains unclear.